The following is an entry in ClinVar:

ClinVar aggregate classification (germline): Likely benign (1 of 4 stars; one submission).

Submission:

GeneDx
Classification: Likely benign. Last evaluated: 2018-05-08. Review status: criteria provided, single submitter. Criteria: GeneDx Variant Classification (06012015). Collection method: clinical testing. Allele origin: germline. Affected: yes.
Comment: This variant is considered likely benign or benign based on one or more of the following criteria: it is a conservative change, it occurs at a poorly conserved position in the protein, it is predicted to be benign by multiple in silico algorithms, and/or has population frequency not consistent with disease.

NM_003480.4(MFAP5):c.217+19C>G

Gene: MFAP5 (microfibril associated protein 5; minus strand). Cytogenetic location: 12p13.31.
Variant type: single nucleotide variant.
Coding change: c.217+19C>G on transcript NM_003480.4 (MANE Select); 19 bases into the intron after coding-DNA position 217, C replaced by G.
Molecular consequence: intron variant.
Genome position (GRCh38, 1-based): chr12:8,654,418, G>C on the plus strand (C>G on the coding strand, the complement: MFAP5 is on the minus strand). VCF-style: chr12-8654418-G-C. GRCh37 (hg19) VCF-style: chr12-8807014-G-C.
Other names: c.181+19C>G (NM_001297710.2); c.172+997C>G (NM_001297711.2); c.217+19C>G (NM_001297712.2, NM_001297709.2).
Identifiers: ClinVar variation 668293 (VCV000668293.1), dbSNP rs1591569769, ClinGen allele CA915948876.